The following is an entry in ClinVar:

NM_000466.3(PEX1):c.2708T>A (p.Ile903Lys)

Gene: PEX1 (peroxisomal biogenesis factor 1; minus strand). Cytogenetic location: 7q21.2.
Variant type: single nucleotide variant.
Coding change: c.2708T>A on transcript NM_000466.3 (MANE Select); coding-DNA position 2708, T replaced by A.
Protein change: p.Ile903Lys; replaces isoleucine 903 with lysine.
Molecular consequence: missense variant.
Genome position (GRCh38, 1-based): chr7:92,499,714, A>T on the plus strand (T>A on the coding strand, the complement: PEX1 is on the minus strand). VCF-style: chr7-92499714-A-T. GRCh37 (hg19) VCF-style: chr7-92129028-A-T.
Other names: c.2537T>A, p.Ile846Lys (NM_001282677.2); c.2084T>A, p.Ile695Lys (NM_001282678.2); c.2708T>A (NM_000466.2); short protein forms I695K, I846K, I903K.
Identifiers: ClinVar variation 1038843 (VCV001038843.8), dbSNP rs1305700033, ClinGen allele CA368173149.

ClinVar aggregate classification (germline): Uncertain significance. Review status: criteria provided, single submitter (1 of 4 stars). 3 submissions from 3 submitters: Uncertain significance (1). 2 of the submissions do not count toward it. Last evaluated 2025-03-17.

Conditions:
PEX1-related disorder. Also called: PEX1-related condition.
Zellweger spectrum disorders (ZS). Also called: Zellweger Spectrum Disorder (ZSD); Zellweger Spectrum Disorder; Zellweger Spectrum; Zellweger syndrome. Identifiers: Orphanet 912, MedGen C0043459, MONDO:0019609.

Allele frequency attached by ClinVar (database versions not stated): TOPMed below 0.00001; gnomAD exomes 0.00001 and 0.00002.
gnomAD v4.1: 12 of 1,612,892 alleles (0.00074%); no homozygotes.

Submissions (3):

Labcorp Genetics (formerly Invitae), Labcorp
Classification: Uncertain significance for Zellweger spectrum disorders. Last evaluated: 2025-03-17. Review status: criteria provided, single submitter. Criteria: Invitae Variant Classification Sherloc (09022015). Collection method: clinical testing. Allele origin: germline.
Comment: This sequence change replaces isoleucine, which is neutral and non-polar, with lysine, which is basic and polar, at codon 903 of the PEX1 protein (p.Ile903Lys). This variant is present in population databases (no rsID available, gnomAD 0.04%). This variant has not been reported in the literature in individuals affected with PEX1-related conditions. ClinVar contains an entry for this variant (Variation ID: 1038843). Invitae Evidence Modeling of protein sequence and biophysical properties (such as structural, functional, and spatial information, amino acid conservation, physicochemical variation, residue mobility, and thermodynamic stability) indicates that this missense variant is expected to disrupt PEX1 protein function with a positive predictive value of 95%. In summary, the available evidence is currently insufficient to determine the role of this variant in disease. Therefore, it has been classified as a Variant of Uncertain Significance.

PreventionGenetics, part of Exact Sciences
Classification: Uncertain significance for PEX1-related condition. Last evaluated: 2024-03-28. Review status: no assertion criteria provided. Collection method: clinical testing. Allele origin: germline. Not counted in ClinVar's aggregate classification.
Comment: The PEX1 c.2708T>A variant is predicted to result in the amino acid substitution p.Ile903Lys. To our knowledge, this variant has not been reported in the literature. This variant is reported in 0.040% of alleles in individuals of Ashkenazi Jewish descent in gnomAD. At this time, the clinical significance of this variant is uncertain due to the absence of conclusive functional and genetic evidence.

Natera, Inc.
Classification: Uncertain significance for Zellweger syndrome. Last evaluated: 2019-03-26. Review status: no assertion criteria provided. Collection method: clinical testing. Allele origin: germline. Not counted in ClinVar's aggregate classification.